The following is an entry in ClinVar:

ClinVar aggregate classification (germline): Likely benign. Review status: criteria provided, multiple submitters, no conflicts (2 of 4 stars). 2 submissions from 2 submitters: Likely benign (2). Last evaluated 2023-02-24.

Conditions:
Combined oxidative phosphorylation defect type 27. Also called: Combined oxidative phosphorylation deficiency 27. Identifiers: Orphanet 477774, MedGen C5567608, MONDO:0014728, OMIM 616672.

Allele frequency attached by ClinVar (database versions not stated): gnomAD exomes below 0.00001 and 0.00001; gnomAD 0.00001; TOPMed 0.00001; ExAC 0.00002.
gnomAD v4.1: 3 of 1,613,750 alleles (0.00019%); highest among the groups gnomAD compares: East Asian, 0.0022%; no homozygotes.

Submissions (2):

Labcorp Genetics (formerly Invitae), Labcorp
Classification: Likely benign for Combined oxidative phosphorylation defect type 27. Last evaluated: 2023-02-24. Review status: criteria provided, single submitter. Criteria: Invitae Variant Classification Sherloc (09022015). Collection method: clinical testing. Allele origin: germline.

GeneDx
Classification: Likely benign. Last evaluated: 2017-03-22. Review status: criteria provided, single submitter. Criteria: GeneDx Variant Classification (06012015). Collection method: clinical testing. Allele origin: germline. Affected: yes.
Comment: This variant is considered likely benign or benign based on one or more of the following criteria: it is a conservative change, it occurs at a poorly conserved position in the protein, it is predicted to be benign by multiple in silico algorithms, and/or has population frequency not consistent with disease.

NM_024537.4(CARS2):c.1257G>A (p.Val419=)

Gene: CARS2 (cysteinyl-tRNA synthetase 2, mitochondrial; minus strand). Cytogenetic location: 13q34.
Variant type: single nucleotide variant.
Coding change: c.1257G>A on transcript NM_024537.4 (MANE Select); coding-DNA position 1257, G replaced by A.
Protein change: p.Val419=; no amino-acid change (valine 419 retained).
Molecular consequence: synonymous variant. On other transcripts: non-coding transcript variant (2).
Genome position (GRCh38, 1-based): chr13:110,646,027, C>T on the plus strand (G>A on the coding strand, the complement: CARS2 is on the minus strand). VCF-style: chr13-110646027-C-T. GRCh37 (hg19) VCF-style: chr13-111298374-C-T.
Other names: c.471G>A, p.Val157= (NM_001352252.2).
Identifiers: ClinVar variation 507875 (VCV000507875.5), dbSNP rs774758878, ClinGen allele CA7051854.